The following is an entry in ClinVar:

NM_003070.5(SMARCA2):c.4100G>C (p.Arg1367Thr)

Gene: SMARCA2 (SWI/SNF related BAF chromatin remodeling complex subunit ATPase 2; plus strand). Cytogenetic location: 9p24.3.
Variant type: single nucleotide variant.
Coding change: c.4100G>C on transcript NM_003070.5 (MANE Select); coding-DNA position 4100, G replaced by C.
Protein change: p.Arg1367Thr; replaces arginine 1367 with threonine.
Molecular consequence: missense variant.
Genome position (GRCh38, 1-based): chr9:2,161,804, G>C. VCF-style: chr9-2161804-G-C. GRCh37 (hg19) VCF-style: chr9-2161804-G-C.
Other names: c.4100G>C, p.Arg1367Thr (NM_001289396.2, NM_139045.4); c.3926G>C, p.Arg1309Thr (NM_001289397.2); c.128G>C, p.Arg43Thr (NM_001289398.2); c.212G>C, p.Arg71Thr (NM_001289399.2); c.218G>C, p.Arg73Thr (NM_001289400.2); short protein forms R1309T, R1367T, R43T, R71T, R73T.
Identifiers: ClinVar variation 3343520 (VCV003343520.1).
Genomic context (GRCh38, chr9:2,161,804, plus strand): 5'-AAAGACGAAGAAATGTGGATAAAGATCCTGCAAAAGAAGATGTGGAAAAAGCTAAGAAGA[G>C]AAGAGGCCGCCCTCCCGCTGAGAAACTGTCACCAAATCCCCCCAAACTGACAAAGCAGAT-3'
Protein context (NP_003061.3, residues 1357-1377): AKEDVEKAKK[Arg1367Thr]RGRPPAEKLS

ClinVar aggregate classification (germline): Uncertain significance (1 of 4 stars; one submission).

Submission:

GeneDx
Classification: Uncertain significance. Last evaluated: 2023-05-31. Review status: criteria provided, single submitter. Criteria: GeneDx Variant Classification Process June 2021. Collection method: clinical testing. Allele origin: germline. Affected: yes.
Comment: In silico analysis supports that this missense variant has a deleterious effect on protein structure/function; Has not been previously published as pathogenic or benign to our knowledge